The following is an entry in ClinVar:

ClinVar aggregate classification (germline): Uncertain significance. Review status: criteria provided, multiple submitters, no conflicts (2 of 4 stars). 2 submissions from 2 submitters: Uncertain significance (2). Last evaluated 2025-09-16.

Conditions:
Hereditary cancer-predisposing syndrome. Also called: Neoplastic Syndromes, Hereditary; Tumor predisposition; Hereditary Cancer Syndrome; Hereditary neoplastic syndrome. Identifiers: Orphanet 140162, MedGen C0027672, MeSH D009386, MONDO:0015356.
Multiple endocrine neoplasia, type 2 (MEN2). Identifiers: Orphanet 653, MedGen C4048306, MONDO:0019003. Disease mechanism: gain of function.

Submissions (2):

Ambry Genetics
Classification: Uncertain significance for Hereditary cancer-predisposing syndrome. Last evaluated: 2025-09-16. Review status: criteria provided, single submitter. Criteria: Ambry Variant Classification Scheme 2023. Collection method: clinical testing. Allele origin: germline.
Comment: The p.E616Q variant (also known as c.1846G>C), located in coding exon 10 of the RET gene, results from a G to C substitution at nucleotide position 1846. The glutamic acid at codon 616 is replaced by glutamine, an amino acid with highly similar properties. This amino acid position is poorly conserved in available vertebrate species. In addition, the in silico prediction for this alteration is inconclusive. Based on the available evidence, the clinical significance of this variant remains unclear.

Labcorp Genetics (formerly Invitae), Labcorp
Classification: Uncertain significance for Multiple endocrine neoplasia, type 2. Last evaluated: 2024-12-17. Review status: criteria provided, single submitter. Criteria: Invitae Variant Classification Sherloc (09022015). Collection method: clinical testing. Allele origin: germline.
Comment: This sequence change replaces glutamic acid, which is acidic and polar, with glutamine, which is neutral and polar, at codon 616 of the RET protein (p.Glu616Gln). This variant is not present in population databases (gnomAD no frequency). This missense change has been observed in individual(s) with multiple endocrine neoplasia type 2 (PMID: 27704398). ClinVar contains an entry for this variant (Variation ID: 1781253). An algorithm developed to predict the effect of missense changes on protein structure and function (PolyPhen-2) suggests that this variant is likely to be tolerated. Experimental studies have shown that this missense change affects RET function (PMID: 27704398). In summary, the available evidence is currently insufficient to determine the role of this variant in disease. Therefore, it has been classified as a Variant of Uncertain Significance.

Literature cited by the submitters: PubMed 27704398 (cited by Ambry Genetics and Labcorp Genetics (formerly Invitae), Labcorp).

NM_020975.6(RET):c.1846G>C (p.Glu616Gln)

Gene: RET (ret proto-oncogene; plus strand). Cytogenetic location: 10q11.21.
Variant type: single nucleotide variant.
Coding change: c.1846G>C on transcript NM_020975.6 (MANE Select); coding-DNA position 1846, G replaced by C.
Protein change: p.Glu616Gln; replaces glutamic acid 616 with glutamine.
Molecular consequence: missense variant.
Genome position (GRCh38, 1-based): chr10:43,113,642, G>C. VCF-style: chr10-43113642-G-C. GRCh37 (hg19) VCF-style: chr10-43609090-G-C.
Other names: c.1846G>C, p.Glu616Gln (NM_000323.2, NM_001406743.1, NM_001406744.1 and 6 more transcripts); c.1084G>C, p.Glu362Gln (NM_001355216.2); c.1717G>C, p.Glu573Gln (NM_001406761.1, NM_001406762.1, NM_001406764.1 and 1 more transcripts); c.1558G>C, p.Glu520Gln (NM_001406766.1, NM_001406767.1, NM_001406770.1); c.1450G>C, p.Glu484Gln (NM_001406769.1, NM_001406772.1); c.1408G>C, p.Glu470Gln (NM_001406771.1, NM_001406773.1); c.1321G>C, p.Glu441Gln (NM_001406774.1); c.1120G>C, p.Glu374Gln (NM_001406775.1, NM_001406776.1, NM_001406777.1 and 1 more transcripts); and 5 more; short protein forms E616Q, E362Q, E221Q, E484Q, E520Q, E374Q, E441Q, E470Q.
Identifiers: ClinVar variation 1781253 (VCV001781253.8), dbSNP rs1393753095, ClinGen allele CA376552798.